The following is an entry in ClinVar:

ClinVar aggregate classification (germline): Uncertain significance (1 of 4 stars; one submission).

gnomAD v4.1: 6 of 1,614,130 alleles (0.00037%); highest among the groups gnomAD compares: African/African-American, 0.0067%; no homozygotes.

Submission:

Labcorp Genetics (formerly Invitae), Labcorp
Classification: Uncertain significance. Last evaluated: 2024-04-15. Review status: criteria provided, single submitter. Criteria: Invitae Variant Classification Sherloc (09022015). Collection method: clinical testing. Allele origin: germline.
Comment: This sequence change replaces proline, which is neutral and non-polar, with serine, which is neutral and polar, at codon 2648 of the COL7A1 protein (p.Pro2648Ser). This variant is present in population databases (no rsID available, gnomAD 0.007%). This variant has not been reported in the literature in individuals affected with COL7A1-related conditions. Advanced modeling of protein sequence and biophysical properties (such as structural, functional, and spatial information, amino acid conservation, physicochemical variation, residue mobility, and thermodynamic stability) performed at Invitae indicates that this missense variant is not expected to disrupt COL7A1 protein function with a negative predictive value of 95%. In summary, the available evidence is currently insufficient to determine the role of this variant in disease. Therefore, it has been classified as a Variant of Uncertain Significance.

NM_000094.4(COL7A1):c.7942C>T (p.Pro2648Ser)

Gene: COL7A1 (collagen type VII alpha 1 chain; minus strand). Cytogenetic location: 3p21.31.
Variant type: single nucleotide variant.
Coding change: c.7942C>T on transcript NM_000094.4 (MANE Select); coding-DNA position 7942, C replaced by T.
Protein change: p.Pro2648Ser; replaces proline 2648 with serine.
Molecular consequence: missense variant.
Genome position (GRCh38, 1-based): chr3:48,567,751, G>A on the plus strand (C>T on the coding strand, the complement: COL7A1 is on the minus strand). VCF-style: chr3-48567751-G-A. GRCh37 (hg19) VCF-style: chr3-48605184-G-A.
Other names: short protein forms P2648S.
Identifiers: ClinVar variation 3705778 (VCV003705778.2).